The following is an entry in ClinVar:

NM_001673.5(ASNS):c.907del (p.Ala303fs)

Genes: ASNS (asparagine synthetase (glutamine-hydrolyzing); minus strand), CZ1P-ASNS (CZ1P-ASNS readthrough; minus strand). Cytogenetic location: 7q21.3.
Variant type: Deletion.
Coding change: c.907del on transcript NM_001673.5 (MANE Select); coding-DNA position 907, one base deleted (G; older notation c.907delG).
Protein change: p.Ala303fs; shifts the reading frame from alanine 303.
Molecular consequence: frameshift variant. On other transcripts: non-coding transcript variant (1).
Genome position (GRCh38, 1-based): chr7:97,856,813, C deleted on the plus strand (G on the coding strand, the reverse complement: ASNS is on the minus strand); the first of 2 consecutive C bases (chr7:97,856,813-97,856,814); deleting either gives the same sequence. VCF-style (leftmost placement, unchanged base first): chr7-97856812-GC-G. GRCh37 (hg19) VCF-style: chr7-97486124-GC-G.
Other names: c.844del, p.Ala282fs (NM_001178075.2); c.658del, p.Ala220fs (NM_001178076.2, NM_001178077.1); c.907del, p.Ala303fs (NM_001352496.2, NM_133436.3, NM_183356.4); short protein forms A282fs, A303fs, A220fs.
Identifiers: ClinVar variation 2863007 (VCV002863007.3), dbSNP rs2484650196, ClinGen allele CA2739277892.

ClinVar aggregate classification (germline): Pathogenic (1 of 4 stars; one submission).

Submission:

Labcorp Genetics (formerly Invitae), Labcorp
Classification: Pathogenic. Last evaluated: 2023-05-11. Review status: criteria provided, single submitter. Criteria: Invitae Variant Classification Sherloc (09022015). Collection method: clinical testing. Allele origin: germline.
Comment: For these reasons, this variant has been classified as Pathogenic. Algorithms developed to predict the effect of sequence changes on RNA splicing suggest that this variant may create or strengthen a splice site. This variant has not been reported in the literature in individuals affected with ASNS-related conditions. This variant is not present in population databases (gnomAD no frequency). This sequence change creates a premature translational stop signal (p.Ala303Glnfs*41) in the ASNS gene. It is expected to result in an absent or disrupted protein product. Loss-of-function variants in ASNS are known to be pathogenic (PMID: 27422383, 30057589).

Literature cited by the submitters: PubMed 27422383; PubMed 30057589.